The following is an entry in ClinVar:

ClinVar aggregate classification (germline): Uncertain significance (1 of 4 stars; one submission).

Conditions:
Inborn genetic diseases. Identifiers: MedGen C0950123, MeSH D030342.

Submission:

Ambry Genetics
Classification: Uncertain significance for Inborn genetic diseases. Last evaluated: 2026-07-06. Review status: criteria provided, single submitter. Criteria: Ambry Variant Classification Scheme 2023. Collection method: clinical testing. Allele origin: germline.
Comment: The c.164-12542C>G intronic variant results from a C to G substitution 12542 nucleotides upstream from coding exon 3 in the ETV6 gene. This nucleotide position is well conserved in available vertebrate species. In silico splice site analysis predicts that this alteration will result in the creation or strengthening of a novel splice donor site; however, direct evidence is insufficient at this time (Ambry internal data). Based on the available evidence, the clinical significance of this variant remains unclear.

NM_001987.5(ETV6):c.164-12542C>G

Gene: ETV6 (ETS variant transcription factor 6; plus strand). Cytogenetic location: 12p13.2.
Variant type: single nucleotide variant.
Coding change: c.164-12542C>G on transcript NM_001987.5 (MANE Select); 12542 bases into the intron before coding-DNA position 164, C replaced by G.
Molecular consequence: intron variant.
Genome position (GRCh38, 1-based): chr12:11,826,598, C>G. VCF-style: chr12-11826598-C-G. GRCh37 (hg19) VCF-style: chr12-11979532-C-G.
Other names: c.137-12542C>G (NM_001413914.1); c.164-12542C>G (NM_001413917.1, NM_001413916.1, NM_001413918.1); c.161-12542C>G (NM_001413913.1); c.-101-12542C>G (NM_001413915.1).
Identifiers: ClinVar variation 5036150 (VCV005036150.1).